The following is an entry in ClinVar:

NM_032634.4(PIGO):c.355C>T (p.Arg119Trp)

Gene: PIGO (phosphatidylinositol glycan anchor biosynthesis class O; minus strand). Cytogenetic location: 9p13.3.
Variant type: single nucleotide variant.
Coding change: c.355C>T on transcript NM_032634.4 (MANE Select); coding-DNA position 355, C replaced by T.
Protein change: p.Arg119Trp; replaces arginine 119 with tryptophan.
Molecular consequence: missense variant.
Genome position (GRCh38, 1-based): chr9:35,095,211, G>A on the plus strand (C>T on the coding strand, the complement: PIGO is on the minus strand). VCF-style: chr9-35095211-G-A. GRCh37 (hg19) VCF-style: chr9-35095208-G-A.
Other names: c.355C>T, p.Arg119Trp (NM_001201484.2, NM_152850.4); short protein forms R119W.
Identifiers: ClinVar variation 1709167 (VCV001709167.5), dbSNP rs757441073, ClinGen allele CA5040962.

ClinVar aggregate classification (germline): Likely pathogenic. Review status: criteria provided, multiple submitters, no conflicts (2 of 4 stars). 2 submissions from 2 submitters: Likely pathogenic (2). Last evaluated 2025-08-18.

Conditions:
Hyperphosphatasia with impaired intellectual development syndrome 2. Also called: Hyperphosphatasia with intellectual disability syndrome 2; GLYCOSYLPHOSPHATIDYLINOSITOL BIOSYNTHESIS DEFECT 6. Identifiers: Orphanet 247262, MedGen C3553637, MONDO:0013882, OMIM 614749.

Allele frequency attached by ClinVar (database versions not stated): TOPMed 0.00001; gnomAD exomes below 0.00001; ExAC 0.00002.
gnomAD v4.1: 6 of 1,614,166 alleles (0.00037%); highest among the groups gnomAD compares: Admixed American, 0.0033%; no homozygotes.

Submissions (2):

Labcorp Genetics (formerly Invitae), Labcorp
Classification: Likely pathogenic for Hyperphosphatasia with impaired intellectual development syndrome 2. Last evaluated: 2025-08-18. Review status: criteria provided, single submitter. Criteria: Invitae Variant Classification Sherloc (09022015). Collection method: clinical testing. Allele origin: germline.
Comment: This sequence change replaces arginine, which is basic and polar, with tryptophan, which is neutral and slightly polar, at codon 119 of the PIGO protein (p.Arg119Trp). This variant is present in population databases (rs757441073, gnomAD 0.006%). This missense change has been observed in individual(s) with PIGO-related conditions (PMID: 24049131). In at least one individual the data is consistent with being in trans (on the opposite chromosome) from a pathogenic variant. ClinVar contains an entry for this variant (Variation ID: 1709167). Invitae Evidence Modeling of protein sequence and biophysical properties (such as structural, functional, and spatial information, amino acid conservation, physicochemical variation, residue mobility, and thermodynamic stability) has been performed for this missense variant. However, the output from this modeling did not meet the statistical confidence thresholds required to predict the impact of this variant on PIGO protein function. Experimental studies have shown that this missense change affects PIGO function (PMID: 24049131). In summary, the currently available evidence indicates that the variant is pathogenic, but additional data are needed to prove that conclusively. Therefore, this variant has been classified as Likely Pathogenic.

MGZ Medical Genetics Center
Classification: Likely pathogenic for Hyperphosphatasia with impaired intellectual development syndrome 2. Last evaluated: 2021-12-06. Review status: criteria provided, single submitter. Criteria: ACMG Guidelines, 2015. Collection method: clinical testing. Allele origin: germline. Affected: yes. Observed: 1 variant allele.
Comment: ACMG criteria applied: PS4_MOD, PM3, PM2_SUP, PP3

Literature cited by the submitters: PubMed 24049131 (cited by Labcorp Genetics (formerly Invitae), Labcorp).